The following is an entry in ClinVar:

NM_001379500.1(COL18A1):c.1903C>T (p.Pro635Ser)

Gene: COL18A1 (collagen type XVIII alpha 1 chain; plus strand). Cytogenetic location: 21q22.3.
Variant type: single nucleotide variant.
Coding change: c.1903C>T on transcript NM_001379500.1 (MANE Select); coding-DNA position 1903, C replaced by T.
Protein change: p.Pro635Ser; replaces proline 635 with serine.
Molecular consequence: missense variant.
Genome position (GRCh38, 1-based): chr21:45,488,424, C>T. VCF-style: chr21-45488424-C-T. GRCh37 (hg19) VCF-style: chr21-46908338-C-T.
Other names: c.2443C>T, p.Pro815Ser (NM_030582.4); c.3148C>T, p.Pro1050Ser (NM_130444.3); short protein forms P1050S, P635S, P815S.
Identifiers: ClinVar variation 2097181 (VCV002097181.3), dbSNP rs1287797435, ClinGen allele CA410496562.

ClinVar aggregate classification (germline): Uncertain significance (1 of 4 stars; one submission).

Allele frequency attached by ClinVar (database versions not stated): gnomAD exomes 0.00001.
gnomAD v4.1: 12 of 1,613,894 alleles (0.00074%); highest among the groups gnomAD compares: Non-Finnish European, 0.001%; no homozygotes.

Submission:

Labcorp Genetics (formerly Invitae), Labcorp
Classification: Uncertain significance. Last evaluated: 2022-02-12. Review status: criteria provided, single submitter. Criteria: Invitae Variant Classification Sherloc (09022015). Collection method: clinical testing. Allele origin: germline.
Comment: Experimental studies and prediction algorithms are not available or were not evaluated, and the functional significance of this variant is currently unknown. In summary, the available evidence is currently insufficient to determine the role of this variant in disease. Therefore, it has been classified as a Variant of Uncertain Significance. This variant has not been reported in the literature in individuals affected with COL18A1-related conditions. This variant is present in population databases (no rsID available, gnomAD 0.0009%). This sequence change replaces proline, which is neutral and non-polar, with serine, which is neutral and polar, at codon 635 of the COL18A1 protein (p.Pro635Ser).